The following is an entry in ClinVar:

ClinVar aggregate classification (germline): Uncertain significance (1 of 4 stars; one submission).

Submission:

Ambry Genetics
Classification: Uncertain significance. Last evaluated: 2024-07-29. Review status: criteria provided, single submitter. Criteria: Ambry Variant Classification Scheme 2023. Collection method: clinical testing. Allele origin: germline.
Comment: The p.F1199L variant (also known as c.3595T>C), located in coding exon 5 of the MLH3 gene, results from a T to C substitution at nucleotide position 3595. The phenylalanine at codon 1199 is replaced by leucine, an amino acid with highly similar properties. This amino acid position is conserved. In addition, this alteration is predicted to be deleterious by in silico analysis. Based on the available evidence, the clinical significance of this variant remains unclear.

NM_001040108.2(MLH3):c.3595T>C (p.Phe1199Leu)

Gene: MLH3 (mutL homolog 3; minus strand). Cytogenetic location: 14q24.3.
Variant type: single nucleotide variant.
Coding change: c.3595T>C on transcript NM_001040108.2 (MANE Select); coding-DNA position 3595, T replaced by C.
Protein change: p.Phe1199Leu; replaces phenylalanine 1199 with leucine.
Molecular consequence: missense variant.
Genome position (GRCh38, 1-based): chr14:75,038,388, A>G on the plus strand (T>C on the coding strand, the complement: MLH3 is on the minus strand). VCF-style: chr14-75038388-A-G. GRCh37 (hg19) VCF-style: chr14-75505091-A-G.
Other names: c.3595T>C, p.Phe1199Leu (NM_014381.3); short protein forms F1199L.
Identifiers: ClinVar variation 3396673 (VCV003396673.1).